The following is an entry in ClinVar:

ClinVar aggregate classification (germline): Uncertain significance (1 of 4 stars; one submission).

Conditions:
Cardiovascular phenotype. Identifiers: MedGen CN230736.

gnomAD v4.1: 1 of 1,612,900 alleles (0.000062%); highest among the groups gnomAD compares: South Asian, 0.0011%; no homozygotes.

Submission:

Ambry Genetics
Classification: Uncertain significance for Cardiovascular phenotype. Last evaluated: 2025-08-28. Review status: criteria provided, single submitter. Criteria: Ambry Variant Classification Scheme 2023. Collection method: clinical testing. Allele origin: germline.
Comment: The p.E665K variant (also known as c.1993G>A), located in coding exon 4 of the JPH2 gene, results from a G to A substitution at nucleotide position 1993. The glutamic acid at codon 665 is replaced by lysine, an amino acid with similar properties. This amino acid position is conserved. In addition, this alteration is predicted to be tolerated by in silico analysis. Based on the available evidence, the clinical significance of this variant remains unclear.

NM_020433.5(JPH2):c.1993G>A (p.Glu665Lys)

Gene: JPH2 (junctophilin 2; minus strand). Cytogenetic location: 20q13.12.
Variant type: single nucleotide variant.
Coding change: c.1993G>A on transcript NM_020433.5 (MANE Select); coding-DNA position 1993, G replaced by A.
Protein change: p.Glu665Lys; replaces glutamic acid 665 with lysine.
Molecular consequence: missense variant.
Genome position (GRCh38, 1-based): chr20:44,115,682, C>T on the plus strand (G>A on the coding strand, the complement: JPH2 is on the minus strand). VCF-style: chr20-44115682-C-T. GRCh37 (hg19) VCF-style: chr20-42744322-C-T.
Other names: short protein forms E665K.
Identifiers: ClinVar variation 4089455 (VCV004089455.1).